The following is an entry in ClinVar:

NM_006015.6(ARID1A):c.474G>C (p.Pro158=)

Gene: ARID1A (AT-rich interaction domain 1A; plus strand). Cytogenetic location: 1p36.11.
Variant type: single nucleotide variant.
Coding change: c.474G>C on transcript NM_006015.6 (MANE Select); coding-DNA position 474, G replaced by C.
Protein change: p.Pro158=; no amino-acid change (proline 158 retained).
Molecular consequence: synonymous variant.
Genome position (GRCh38, 1-based): chr1:26,696,877, G>C. VCF-style: chr1-26696877-G-C. GRCh37 (hg19) VCF-style: chr1-27023368-G-C.
Other names: c.474G>C, p.Pro158= (NM_139135.4).
Identifiers: ClinVar variation 2726522 (VCV002726522.5), dbSNP rs1197881468, ClinGen allele CA416989385.

ClinVar aggregate classification (germline): Likely benign. Review status: criteria provided, single submitter (1 of 4 stars). 2 submissions from 2 submitters: Likely benign (1). 1 of the submissions does not count toward it. Last evaluated 2023-10-10.

Conditions:
ARID1A-related disorder. Also called: ARID1A-related condition.

Submissions (2):

Labcorp Genetics (formerly Invitae), Labcorp
Classification: Likely benign. Last evaluated: 2023-10-10. Review status: criteria provided, single submitter. Criteria: Invitae Variant Classification Sherloc (09022015). Collection method: clinical testing. Allele origin: germline.

PreventionGenetics, part of Exact Sciences
Classification: Likely benign for ARID1A-related condition. Last evaluated: 2023-05-18. Review status: no assertion criteria provided. Collection method: clinical testing. Allele origin: germline. Not counted in ClinVar's aggregate classification.
Comment: This variant is classified as likely benign based on ACMG/AMP sequence variant interpretation guidelines (Richards et al. 2015 PMID: 25741868, with internal and published modifications).